The following is an entry in ClinVar:

NM_032608.7(MYO18B):c.5346C>T (p.Ile1782=)

Gene: MYO18B (myosin XVIIIB; plus strand). Cytogenetic location: 22q12.1.
Variant type: single nucleotide variant.
Coding change: c.5346C>T on transcript NM_032608.7 (MANE Select); coding-DNA position 5346, C replaced by T.
Protein change: p.Ile1782=; no amino-acid change (isoleucine 1782 retained).
Molecular consequence: synonymous variant.
Genome position (GRCh38, 1-based): chr22:25,911,032, C>T. VCF-style: chr22-25911032-C-T. GRCh37 (hg19) VCF-style: chr22-26306999-C-T.
Other names: c.5349C>T, p.Ile1783= (NM_001318245.2).
Identifiers: ClinVar variation 733144 (VCV000733144.15), dbSNP rs116633725, ClinGen allele CA10161140.
Genomic context (GRCh38, chr22:25,911,032, plus strand): 5'-GCAAGAGTATGAAGAGAAGCAGATGGTCCTCCATGAGAAGCAAGATTTGGAAGGCTTGAT[C>T]GGAACCCTCTGTGACCAGGTAAGGGGGAGACATTGGCAGACATTCAGAGGAGTATCTCAG-3'
Protein context (NP_115997.5, residues 1772-1792): LHEKQDLEGL[Ile1782=]GTLCDQIGHR

ClinVar aggregate classification (germline): Benign/Likely benign. Review status: criteria provided, multiple submitters, no conflicts (2 of 4 stars). 5 submissions from 5 submitters: Benign (2); Likely benign (2). 1 of the submissions does not count toward it. Last evaluated 2026-07-01.

Conditions:
MYO18B-related disorder. Also called: MYO18B-related condition.

Allele frequency attached by ClinVar (database versions not stated): gnomAD exomes 0.00028 and 0.00052; 1000 Genomes Project 0.00100; ExAC 0.00100; 1000 Genomes Project 30x 0.00109; gnomAD 0.00252 and 0.00274; ESP Exome Variant Server 0.00270; TOPMed 0.00323.
gnomAD v4.1: 797 of 1,604,350 alleles (0.05%); highest among the groups gnomAD compares: African/African-American, 0.97%; 2 homozygotes.

Submissions (5):

CeGaT Center for Human Genetics Tuebingen
Classification: Likely benign. Last evaluated: 2026-07-01. Review status: criteria provided, single submitter. Criteria: CeGaT Center For Human Genetics Tuebingen Variant Classification Criteria Version 2. Collection method: clinical testing. Allele origin: germline. Affected: yes. Observed: 1 variant allele.
Comment: MYO18B: BP4, BP7

Labcorp Genetics (formerly Invitae), Labcorp
Classification: Benign. Last evaluated: 2026-01-12. Review status: criteria provided, single submitter. Criteria: Invitae Variant Classification Sherloc (09022015). Collection method: clinical testing. Allele origin: germline.

Blueprint Genetics
Classification: Likely benign. Last evaluated: 2024-11-21. Review status: criteria provided, single submitter. Criteria: ACMG Guidelines, 2015. Collection method: clinical testing. Allele origin: germline.

Breakthrough Genomics
Classification: Benign. Review status: criteria provided, single submitter. Criteria: ACMG Guidelines, 2015. Collection method: not provided. Allele origin: germline. Inheritance: Autosomal recessive inheritance. Affected: yes.

PreventionGenetics, part of Exact Sciences
Classification: Benign for MYO18B-related condition. Last evaluated: 2019-05-31. Review status: no assertion criteria provided. Collection method: clinical testing. Allele origin: germline. Not counted in ClinVar's aggregate classification.
Comment: This variant is classified as benign based on ACMG/AMP sequence variant interpretation guidelines (Richards et al. 2015 PMID: 25741868, with internal and published modifications).